The following is an entry in ClinVar:

ClinVar aggregate classification (germline): Pathogenic/Likely pathogenic. Review status: criteria provided, multiple submitters, no conflicts (2 of 4 stars). 2 submissions from 2 submitters: Pathogenic (1); Likely pathogenic (1). Last evaluated 2024-02-23.

Conditions:
Congenital myotonia, autosomal recessive form. Also called: Becker Generalized Myotonia; myotonia congenita, autosomal recessive; BECKER DISEASE. Identifiers: Orphanet 614, MedGen C0751360, MONDO:0009715, OMIM 255700.
Congenital myotonia, autosomal dominant form (THD). Also called: THOMSEN DISEASE; Myotonia congenita autosomal dominant. Identifiers: Orphanet 614, MedGen C2936781, MONDO:0008055, OMIM 160800.

Submissions (2):

Labcorp Genetics (formerly Invitae), Labcorp
Classification: Pathogenic for Congenital myotonia, autosomal recessive form; Congenital myotonia, autosomal dominant form. Last evaluated: 2024-02-23. Review status: criteria provided, single submitter. Criteria: Invitae Variant Classification Sherloc (09022015). Collection method: clinical testing. Allele origin: germline.
Comment: This sequence change creates a premature translational stop signal (p.Thr735Valfs*57) in the CLCN1 gene. It is expected to result in an absent or disrupted protein product. Loss-of-function variants in CLCN1 are known to be pathogenic (PMID: 17932099, 22094069, 23739125). This variant is not present in population databases (gnomAD no frequency). This variant has not been reported in the literature in individuals affected with CLCN1-related conditions. For these reasons, this variant has been classified as Pathogenic.

3billion
Classification: Likely pathogenic for Congenital myotonia, autosomal recessive form. Last evaluated: 2023-10-27. Review status: criteria provided, single submitter. Criteria: ACMG Guidelines, 2015. Collection method: clinical testing. Allele origin: germline. Affected: yes.
Comment: The variant is not observed in the gnomAD v2.1.1 dataset. Predicted Consequence/Location: Frameshift: predicted to result in a loss or disruption of normal protein function through nonsense-mediated decay (NMD) or protein truncation. Multiple pathogenic variants are reported downstream of the variant. Therefore, this variant is classified as Likely pathogenic according to the recommendation of ACMG/AMP guideline.

Literature cited by the submitters: PubMed 17932099 (cited by Labcorp Genetics (formerly Invitae), Labcorp); PubMed 22094069 (cited by Labcorp Genetics (formerly Invitae), Labcorp); PubMed 23739125 (cited by Labcorp Genetics (formerly Invitae), Labcorp).

NM_000083.3(CLCN1):c.2203_2216del (p.Thr735fs)

Gene: CLCN1 (chloride voltage-gated channel 1; plus strand). Cytogenetic location: 7q34.
Variant type: Deletion.
Coding change: c.2203_2216del on transcript NM_000083.3 (MANE Select); coding-DNA positions 2203 to 2216, 14 bases deleted (ACTACTGCCCCTCT).
Protein change: p.Thr735fs; shifts the reading frame from threonine 735.
Molecular consequence: frameshift variant. On other transcripts: non-coding transcript variant (1).
Genome position (GRCh38, 1-based): chr7:143,346,170-143,346,183, ACTACTGCCCCTCT deleted; deleting any 14 consecutive bases within chr7:143,346,163-143,346,183 gives the same sequence; the c. name uses the placement nearest the transcript's 3' end. VCF-style (leftmost placement, unchanged base first): chr7-143346162-ACCCCTCTACTACTG-A. GRCh37 (hg19) VCF-style: chr7-143043255-ACCCCTCTACTACTG-A.
Other names: short protein forms T735fs.
Identifiers: ClinVar variation 3754879 (VCV003754879.3).